The following is an entry in ClinVar:

ClinVar aggregate classification (germline): Pathogenic. Review status: criteria provided, multiple submitters, no conflicts (2 of 4 stars). 6 submissions from 6 submitters: Pathogenic (5). 1 of the submissions does not count toward it. Last evaluated 2026-01-09.

Conditions:
CTC1-related disorder. Also called: CTC1-related condition.
Cerebroretinal microangiopathy with calcifications and cysts 1 (CRMCC1). Identifiers: Orphanet 313838, MedGen C4552029, MONDO:0024564, OMIM 612199.
Dyskeratosis congenita. Identifiers: Orphanet 1775, MedGen C0265965, MONDO:0015780.

Allele frequency attached by ClinVar (database versions not stated): gnomAD exomes 0.00008 and 0.00020; ExAC 0.00011; gnomAD 0.00024 and 0.00026.
gnomAD v4.1: 152 of 1,613,942 alleles (0.0094%); no homozygotes.

Submissions (6):

Labcorp Genetics (formerly Invitae), Labcorp
Classification: Pathogenic for Dyskeratosis congenita. Last evaluated: 2026-01-09. Review status: criteria provided, single submitter. Criteria: Invitae Variant Classification Sherloc (09022015). Collection method: clinical testing. Allele origin: germline.
Comment: This sequence change replaces valine, which is neutral and non-polar, with glycine, which is neutral and non-polar, at codon 665 of the CTC1 protein (p.Val665Gly). This variant is present in population databases (rs199473676, gnomAD 0.2%). This missense change has been observed in individual(s) with cerebroretinal microangiopathy with calfications and cysts (PMID: 22387016). In at least one individual the data is consistent with being in trans (on the opposite chromosome) from a pathogenic variant. ClinVar contains an entry for this variant (Variation ID: 31002). Invitae Evidence Modeling of protein sequence and biophysical properties (such as structural, functional, and spatial information, amino acid conservation, physicochemical variation, residue mobility, and thermodynamic stability) has been performed for this missense variant. However, the output from this modeling did not meet the statistical confidence thresholds required to predict the impact of this variant on CTC1 protein function. Experimental studies have shown that this missense change affects CTC1 function (PMID: 2411576, 23869908, 29481669). For these reasons, this variant has been classified as Pathogenic.

Blueprint Genetics
Classification: Pathogenic for CTC1-related disorders. Last evaluated: 2024-11-19. Review status: criteria provided, single submitter. Criteria: ACMG Guidelines, 2015. Collection method: clinical testing. Allele origin: germline. Affected: yes. Observed: 5 variant alleles.

Fulgent Genetics
Classification: Pathogenic for Cerebroretinal microangiopathy with calcifications and cysts 1. Last evaluated: 2024-06-20. Review status: criteria provided, single submitter. Criteria: ACMG Guidelines, 2015. Collection method: clinical testing. Allele origin: germline.

Women's Health and Genetics/Laboratory Corporation of America, LabCorp
Classification: Pathogenic for Cerebroretinal microangiopathy with calcifications and cysts 1. Last evaluated: 2024-06-11. Review status: criteria provided, single submitter. Criteria: LabCorp Variant Classification Summary - May 2015. Collection method: clinical testing. Allele origin: germline.
Comment: Variant summary: CTC1 c.1994T>G (p.Val665Gly) results in a non-conservative amino acid change in the encoded protein sequence. Five of five in-silico tools predict a damaging effect of the variant on protein function. The variant allele was found at a frequency of 0.0002 in 249480 control chromosomes (gnomAD). This frequency is not significantly higher than estimated for a pathogenic variant in CTC1 causing cerebroretinal microangiopathy with calcifications and cysts 1 (0.0002 vs 0.0011), allowing no conclusion about variant significance. c.1994T>G has been reported in the literature in multiple individuals affected with cerebroretinal microangiopathy with calcifications (CRMCC), including cases where it has been confirmed to be in trans with a pathogenic variant and in families where it has segregated with the disease phenotype (e.g. Polvi_2012, Mansukhani_2017, Feurstein_2021). These data indicate that the variant is likely to be associated with disease. Publications report experimental evidence suggesting that the variant has an impact on protein function, reducing telomere association and impairing response to replication stress (e.g. Chen_2013, Wang_2018). The following publications have been ascertained in the context of this evaluation (PMID: 24115768, 28864049, 22387016, 29481669, 33510405). ClinVar contains an entry for this variant (Variation ID: 31002). Based on the evidence outlined above, the variant was classified as pathogenic.

GeneDx
Classification: Pathogenic. Last evaluated: 2023-05-08. Review status: criteria provided, single submitter. Criteria: GeneDx Variant Classification Process June 2021. Collection method: clinical testing. Allele origin: germline. Affected: yes.
Comment: Published functional studies demonstrate a damaging effect with impaired telomere replication, global genome instabilities, and decreased cell proliferation and survival (Gu et al., 2013; Chen et al., 2013, Wang et al., 2018); In silico analysis supports that this missense variant has a deleterious effect on protein structure/function; This variant is associated with the following publications: (PMID: 23869908, 24115768, 22387016, 29481669, 33510405, 33780718)

OMIM
Classification: Pathogenic for CEREBRORETINAL MICROANGIOPATHY WITH CALCIFICATIONS AND CYSTS 1. Last evaluated: 2012-03-09. Review status: no assertion criteria provided. Collection method: literature only. Allele origin: germline. Not counted in ClinVar's aggregate classification.

Literature cited by the submitters: PubMed 22387016 (cited by 3 submitters); PubMed 2411576 (cited by Labcorp Genetics (formerly Invitae), Labcorp); PubMed 23869908 (cited by Labcorp Genetics (formerly Invitae), Labcorp); PubMed 29481669 (cited by Labcorp Genetics (formerly Invitae), Labcorp and Women's Health and Genetics/Laboratory Corporation of America, LabCorp); PubMed 24115768 (cited by Women's Health and Genetics/Laboratory Corporation of America, LabCorp); PubMed 28864049 (cited by Women's Health and Genetics/Laboratory Corporation of America, LabCorp); PubMed 33510405 (cited by Women's Health and Genetics/Laboratory Corporation of America, LabCorp).

NM_025099.6(CTC1):c.1994T>G (p.Val665Gly)

Gene: CTC1 (CST telomere replication complex component 1; minus strand). Cytogenetic location: 17p13.1.
Variant type: single nucleotide variant.
Coding change: c.1994T>G on transcript NM_025099.6 (MANE Select); coding-DNA position 1994, T replaced by G.
Protein change: p.Val665Gly; replaces valine 665 with glycine.
Molecular consequence: missense variant. On other transcripts: non-coding transcript variant (1).
Genome position (GRCh38, 1-based): chr17:8,232,427, A>C on the plus strand (T>G on the coding strand, the complement: CTC1 is on the minus strand). VCF-style: chr17-8232427-A-C. GRCh37 (hg19) VCF-style: chr17-8135745-A-C.
Other names: c.1994T>G (NM_025099.5); short protein forms V665G.
Identifiers: ClinVar variation 31002 (VCV000031002.8), dbSNP rs199473676, ClinGen allele CA129614.
Genomic context (GRCh38, chr17:8,232,427, plus strand): 5'-TGCTGCTTCTGGATGAAGCCTGGCATGCTCAGCTCCTTCCAGGAAGGGAAGCTGCTTCTC[A>C]CGTCCCTCTCTACGATCAACTGAAACCTCTCTGCCCGCACCAGGCAGCCTAGAGGAAGAA-3'
Protein context (NP_079375.3, residues 655-675): ERFQLIVERD[Val665Gly]RSSFPSWKEL